The following is an entry in ClinVar:

ClinVar aggregate classification (germline): Uncertain significance (1 of 4 stars; one submission).

gnomAD v4.1: 5 of 1,612,342 alleles (0.00031%); highest among the groups gnomAD compares: Non-Finnish European, 0.00042%; no homozygotes.

Submission:

Labcorp Genetics (formerly Invitae), Labcorp
Classification: Uncertain significance. Last evaluated: 2023-10-13. Review status: criteria provided, single submitter. Criteria: Invitae Variant Classification Sherloc (09022015). Collection method: clinical testing. Allele origin: germline.
Comment: This sequence change replaces serine, which is neutral and polar, with phenylalanine, which is neutral and non-polar, at codon 123 of the SSR3 protein (p.Ser123Phe). This variant is not present in population databases (gnomAD no frequency). This variant has not been reported in the literature in individuals affected with SSR3-related conditions. An algorithm developed to predict the effect of missense changes on protein structure and function (PolyPhen-2) suggests that this variant is likely to be tolerated. In summary, the available evidence is currently insufficient to determine the role of this variant in disease. Therefore, it has been classified as a Variant of Uncertain Significance.

NM_007107.5(SSR3):c.359+9C>T

Gene: SSR3 (signal sequence receptor subunit 3; minus strand). Cytogenetic location: 3q25.31.
Variant type: single nucleotide variant.
Coding change: c.359+9C>T on transcript NM_007107.5 (MANE Select); 9 bases into the intron after coding-DNA position 359, C replaced by T.
Molecular consequence: intron variant. On other transcripts: missense variant (1).
Genome position (GRCh38, 1-based): chr3:156,548,896, G>A on the plus strand (C>T on the coding strand, the complement: SSR3 is on the minus strand). VCF-style: chr3-156548896-G-A. GRCh37 (hg19) VCF-style: chr3-156266685-G-A.
Other names: c.368C>T, p.Ser123Phe (NM_001308197.2); c.203+9C>T (NM_001308204.2, NM_001308205.2); short protein forms S123F.
Identifiers: ClinVar variation 2961727 (VCV002961727.3), dbSNP rs970465326, ClinGen allele CA355150056.